The following is an entry in ClinVar:

NM_005458.8(GABBR2):c.884C>T (p.Thr295Met)

Gene: GABBR2 (gamma-aminobutyric acid type B receptor subunit 2; minus strand). Cytogenetic location: 9q22.33.
Variant type: single nucleotide variant.
Coding change: c.884C>T on transcript NM_005458.8 (MANE Select); coding-DNA position 884, C replaced by T.
Protein change: p.Thr295Met; replaces threonine 295 with methionine.
Molecular consequence: missense variant.
Genome position (GRCh38, 1-based): chr9:98,473,261, G>A on the plus strand (C>T on the coding strand, the complement: GABBR2 is on the minus strand). VCF-style: chr9-98473261-G-A. GRCh37 (hg19) VCF-style: chr9-101235543-G-A.
Other names: short protein forms T295M.
Identifiers: ClinVar variation 711450 (VCV000711450.35), dbSNP rs200422079, ClinGen allele CA5152857.

ClinVar aggregate classification (germline): Benign/Likely benign. Review status: criteria provided, multiple submitters, no conflicts (2 of 4 stars). 5 submissions from 5 submitters: Benign (2); Likely benign (3). Last evaluated 2025-10-23.

Conditions:
Epileptic encephalopathy. Identifiers: MedGen C0543888, HP:0200134.
Inborn genetic diseases. Identifiers: MedGen C0950123, MeSH D030342.

Allele frequency attached by ClinVar (database versions not stated): gnomAD exomes 0.00010 and 0.00015; TOPMed 0.00012; gnomAD 0.00013 and 0.00014; ExAC 0.00015; ESP Exome Variant Server 0.00015.
gnomAD v4.1: 171 of 1,612,130 alleles (0.011%); highest among the groups gnomAD compares: Middle Eastern, 0.049%; no homozygotes.

Submissions (5):

Labcorp Genetics (formerly Invitae), Labcorp
Classification: Benign for Epileptic encephalopathy. Last evaluated: 2025-10-23. Review status: criteria provided, single submitter. Criteria: Invitae Variant Classification Sherloc (09022015). Collection method: clinical testing. Allele origin: germline.

Blueprint Genetics
Classification: Likely benign. Last evaluated: 2024-11-15. Review status: criteria provided, single submitter. Criteria: ACMG Guidelines, 2015. Collection method: clinical testing. Allele origin: germline.

CeGaT Center for Human Genetics Tuebingen
Classification: Likely benign. Last evaluated: 2023-12-01. Review status: criteria provided, single submitter. Criteria: CeGaT Center For Human Genetics Tuebingen Variant Classification Criteria Version 2. Collection method: clinical testing. Allele origin: germline. Affected: yes. Observed: 1 variant allele.
Comment: GABBR2: PP2, BP4, BS2

Ambry Genetics
Classification: Likely benign for Inborn genetic diseases. Last evaluated: 2021-11-23. Review status: criteria provided, single submitter. Criteria: Ambry Variant Classification Scheme 2023. Collection method: clinical testing. Allele origin: germline.

GeneDx
Classification: Benign. Last evaluated: 2019-08-20. Review status: criteria provided, single submitter. Criteria: GeneDx Variant Classification Process June 2021. Collection method: clinical testing. Allele origin: germline. Affected: yes.